The following is an entry in ClinVar:

NM_006939.4(SOS2):c.1673A>G (p.Lys558Arg)

Gene: SOS2 (SOS Ras/Rho guanine nucleotide exchange factor 2; minus strand). Cytogenetic location: 14q21.3.
Variant type: single nucleotide variant.
Coding change: c.1673A>G on transcript NM_006939.4 (MANE Select); coding-DNA position 1673, A replaced by G.
Protein change: p.Lys558Arg; replaces lysine 558 with arginine.
Molecular consequence: missense variant.
Genome position (GRCh38, 1-based): chr14:50,159,610, T>C on the plus strand (A>G on the coding strand, the complement: SOS2 is on the minus strand). VCF-style: chr14-50159610-T-C. GRCh37 (hg19) VCF-style: chr14-50626328-T-C.
Other names: c.1574A>G, p.Lys525Arg (NM_001411020.1); short protein forms K558R, K525R.
Identifiers: ClinVar variation 1777741 (VCV001777741.2), dbSNP rs368255404, ClinGen allele CA7177252.

ClinVar aggregate classification (germline): Uncertain significance (1 of 4 stars; one submission).

Conditions:
Cardiovascular phenotype. Identifiers: MedGen CN230736.

Allele frequency attached by ClinVar (database versions not stated): ExAC 0.00001; TOPMed 0.00001; gnomAD 0.00002; ESP Exome Variant Server 0.00008.
gnomAD v4.1: 3 of 1,613,818 alleles (0.00019%); highest among the groups gnomAD compares: African/African-American, 0.004%; no homozygotes.

Submission:

Ambry Genetics
Classification: Uncertain significance for Cardiovascular phenotype. Last evaluated: 2021-06-23. Review status: criteria provided, single submitter. Criteria: Ambry Variant Classification Scheme 2023. Collection method: clinical testing. Allele origin: germline.
Comment: The p.K558R variant (also known as c.1673A>G), located in coding exon 10 of the SOS2 gene, results from an A to G substitution at nucleotide position 1673. The lysine at codon 558 is replaced by arginine, an amino acid with highly similar properties. This amino acid position is conserved. In addition, this alteration is predicted to be tolerated by in silico analysis. Since supporting evidence is limited at this time, the clinical significance of this alteration remains unclear.